The following is an entry in ClinVar:

ClinVar aggregate classification (germline): Pathogenic. Review status: criteria provided, multiple submitters, no conflicts (2 of 4 stars). 8 submissions from 8 submitters: Pathogenic (7). 1 of the submissions does not count toward it. Last evaluated 2026-02-21.

Conditions:
Inborn genetic diseases. Identifiers: MedGen C0950123, MeSH D030342.
Intellectual developmental disorder with dysmorphic facies and ptosis (IDDDFP). Identifiers: Orphanet 698090, MedGen C4310617, MONDO:0015022, OMIM 617333.
BRPF1-related disorder. Also called: BRPF1-related condition.

Submissions (8):

Clinical Genomics Laboratory, Washington University in St. Louis
Classification: Pathogenic for Intellectual developmental disorder with dysmorphic facies and ptosis. Last evaluated: 2026-02-21. Review status: criteria provided, single submitter. Criteria: ACMG Guidelines, 2015. Collection method: clinical testing. Allele origin: germline. Affected: yes.
Comment: The BRPF1 c.751C>T (p.Arg251*) variant has been reported as occurring de novo in one individual affected with intellectual developmental disorder with dysmorphic facies and ptosis (Colson C et al., PMID: 39837771). A second individual has also been described as having the presumably same variant de novo; however, the published cDNA and protein change (individual 12: c.751C>T, p.Arg2351*) raises the possibility of a typographical error in that publication (Morison LD et al., PMID: 38346666). This variant has been reported in the ClinVar database as a germline pathogenic variant by five submitters. This variant is absent from the general population (gnomAD v2.1.1), indicating it is not a common variant. This variant results in a premature termination codon which is predicted to lead to nonsense mediated decay. Based on available information and the ACMG/AMP guidelines for variant interpretation (Richards S et al., PMID: 25741868), this variant is classified as pathogenic

Ambry Genetics
Classification: Pathogenic for Inborn genetic diseases. Last evaluated: 2024-12-16. Review status: criteria provided, single submitter. Criteria: Ambry Variant Classification Scheme 2023. Collection method: clinical testing. Allele origin: germline.
Comment: The c.751C>T (p.R251*) alteration, located in exon 3 (coding exon 2) of the BRPF1 gene, consists of a C to T substitution at nucleotide position 751. This changes the amino acid from an arginine (R) to a stop codon at amino acid position 251. This alteration is expected to result in loss of function by premature protein truncation or nonsense-mediated mRNA decay. This variant was not reported in population-based cohorts in the Genome Aggregation Database (gnomAD). Based on the available evidence, this alteration is classified as pathogenic.

3billion
Classification: Pathogenic for Intellectual developmental disorder with dysmorphic facies and ptosis. Last evaluated: 2023-11-28. Review status: criteria provided, single submitter. Criteria: ACMG Guidelines, 2015. Collection method: clinical testing. Allele origin: germline. Affected: yes.
Comment: The variant is not observed in the gnomAD v2.1.1 dataset. Predicted Consequence/Location: Stop-gained (nonsense): predicted to result in a loss or disruption of normal protein function through nonsense-mediated decay (NMD) or protein truncation. Multiple pathogenic variants are reported downstream of the variant. The variant has been reported at least twice as pathogenic without evidence for the classification (ClinVar ID: VCV001413493). Therefore, this variant is classified as Pathogenic according to the recommendation of ACMG/AMP guideline.

Blueprint Genetics
Classification: Pathogenic for BRPF1-related disorders. Last evaluated: 2023-04-17. Review status: criteria provided, single submitter. Criteria: ACMG Guidelines, 2015. Collection method: clinical testing. Allele origin: germline. Affected: yes. Observed: 5 variant alleles.

Department of Genetics, Rouen University Hospital, Normandy Center for Genomic and Personalized Medicine
Classification: Pathogenic for Intellectual developmental disorder with dysmorphic facies and ptosis. Last evaluated: 2022-08-05. Review status: criteria provided, single submitter. Criteria: ACMG Guidelines, 2015. Collection method: clinical testing. Allele origin: de novo. Affected: yes.

Labcorp Genetics (formerly Invitae), Labcorp
Classification: Pathogenic. Last evaluated: 2021-04-23. Review status: criteria provided, single submitter. Criteria: Invitae Variant Classification Sherloc (09022015). Collection method: clinical testing. Allele origin: germline.
Comment: For these reasons, this variant has been classified as Pathogenic. This variant has not been reported in the literature in individuals with BRPF1-related conditions. This variant is not present in population databases (ExAC no frequency). This sequence change creates a premature translational stop signal (p.Arg251*) in the BRPF1 gene. It is expected to result in an absent or disrupted protein product. Loss-of-function variants in BRPF1 are known to be pathogenic (PMID: 27939639, 27939640).

Juno Genomics, Hangzhou Juno Genomics, Inc
Classification: Pathogenic for Intellectual developmental disorder with dysmorphic facies and ptosis. Review status: criteria provided, single submitter. Criteria: ACMG Guidelines, 2015. Collection method: clinical testing. Allele origin: germline. Affected: yes.
Comment: Absent from controls (or at extremely low frequency if recessive) in Genome Aggregation Database.;Null variant in a gene where loss of function (LOF) is a known mechanism of disease.;The prevalence of the variant in affected individuals is significantly increased compared to the prevalence in controls.

PreventionGenetics, part of Exact Sciences
Classification: Pathogenic for BRPF1-related condition. Last evaluated: 2024-06-21. Review status: no assertion criteria provided. Collection method: clinical testing. Allele origin: germline. Not counted in ClinVar's aggregate classification.
Comment: The BRPF1 c.751C>T variant is predicted to result in premature protein termination (p.Arg251*). This variant was reported in one individual with attention deficit hyperactive disorder, speech and language delay, hypotonia, fine motor impairment, ptosis, and dysmorphic features (see case 12 in Morison et al. 2024. PubMed ID: 38346666, variant incorrectly listed as 'p.Arg2351'). This variant has not been reported in a large population database, indicating this variant is rare. Nonsense variants in BRPF1 are expected to be pathogenic. This variant is interpreted as pathogenic.

Literature cited by the submitters: PubMed 27939639 (cited by Labcorp Genetics (formerly Invitae), Labcorp); PubMed 27939640 (cited by Labcorp Genetics (formerly Invitae), Labcorp).

NM_001003694.2(BRPF1):c.751C>T (p.Arg251Ter)

Gene: BRPF1 (bromodomain and PHD finger containing 1; plus strand). Cytogenetic location: 3p25.3.
Variant type: single nucleotide variant.
Coding change: c.751C>T on transcript NM_001003694.2 (MANE Select); coding-DNA position 751, C replaced by T.
Protein change: p.Arg251Ter; replaces arginine 251 with a stop codon.
Molecular consequence: nonsense. On other transcripts: non-coding transcript variant (1).
Genome position (GRCh38, 1-based): chr3:9,739,150, C>T. VCF-style: chr3-9739150-C-T. GRCh37 (hg19) VCF-style: chr3-9780834-C-T.
Other names: c.751C>T, p.Arg251Ter (NM_001319049.2, NM_001319050.2, NM_004634.3); c.751C>T (NM_001003694.1); short protein forms R251*.
Identifiers: ClinVar variation 1413493 (VCV001413493.13), dbSNP rs2125500187, ClinGen allele CA351684596.